The following is an entry in ClinVar:

NM_025207.5(FLAD1):c.645A>G (p.Glu215=)

Gene: FLAD1 (flavin adenine dinucleotide synthetase 1; plus strand). Cytogenetic location: 1q21.3.
Variant type: single nucleotide variant.
Coding change: c.645A>G on transcript NM_025207.5 (MANE Select); coding-DNA position 645, A replaced by G.
Protein change: p.Glu215=; no amino-acid change (glutamic acid 215 retained).
Molecular consequence: synonymous variant.
Genome position (GRCh38, 1-based): chr1:154,988,377, A>G. VCF-style: chr1-154988377-A-G. GRCh37 (hg19) VCF-style: chr1-154960853-A-G.
Other names: p.Glu215=; c.354A>G, p.Glu118= (NM_001184891.2, NM_201398.3); c.348A>G, p.Glu116= (NM_001184892.2).
Identifiers: ClinVar variation 392387 (VCV000392387.35), dbSNP rs138843652, ClinGen allele CA1134364.

ClinVar aggregate classification (germline): Likely benign. Review status: criteria provided, multiple submitters, no conflicts (2 of 4 stars). 4 submissions from 4 submitters: Likely benign (4). Last evaluated 2026-09-01.

Allele frequency attached by ClinVar (database versions not stated): TOPMed 0.00030; ExAC 0.00031; gnomAD exomes 0.00031; gnomAD 0.00039 and 0.00040; ESP Exome Variant Server 0.00077.

Submissions (4):

CeGaT Center for Human Genetics Tuebingen
Classification: Likely benign. Last evaluated: 2026-09-01. Review status: criteria provided, single submitter. Criteria: CeGaT Center For Human Genetics Tuebingen Variant Classification Criteria Version 2. Collection method: clinical testing. Allele origin: germline. Affected: yes. Observed: 4 variant alleles.
Comment: FLAD1: BP4, BP7

Labcorp Genetics (formerly Invitae), Labcorp
Classification: Likely benign. Last evaluated: 2026-01-12. Review status: criteria provided, single submitter. Criteria: Invitae Variant Classification Sherloc (09022015). Collection method: clinical testing. Allele origin: germline.

Mayo Clinic Laboratories, Mayo Clinic
Classification: Likely benign. Last evaluated: 2025-03-11. Review status: criteria provided, single submitter. Criteria: ACMG Guidelines, 2015. Collection method: clinical testing. Allele origin: germline. Observed: 1 variant allele.
Comment: BP4, BP7

GeneDx
Classification: Likely benign. Last evaluated: 2017-01-05. Review status: criteria provided, single submitter. Criteria: GeneDx Variant Classification (06012015). Collection method: clinical testing. Allele origin: germline. Affected: yes.
Comment: This variant is considered likely benign or benign based on one or more of the following criteria: it is a conservative change, it occurs at a poorly conserved position in the protein, it is predicted to be benign by multiple in silico algorithms, and/or has population frequency not consistent with disease.